The following is an entry in ClinVar:

ClinVar aggregate classification (germline): Uncertain significance (1 of 4 stars; one submission).

Conditions:
Primary ciliary dyskinesia. Also called: Ciliary dyskinesia. Identifiers: Orphanet 244, MedGen C0008780, MONDO:0016575, HP:0012265.

Submission:

Labcorp Genetics (formerly Invitae), Labcorp
Classification: Uncertain significance for Primary ciliary dyskinesia. Last evaluated: 2022-05-27. Review status: criteria provided, single submitter. Criteria: Invitae Variant Classification Sherloc (09022015). Collection method: clinical testing. Allele origin: germline.
Comment: Algorithms developed to predict the effect of missense changes on protein structure and function are either unavailable or do not agree on the potential impact of this missense change (SIFT: "Deleterious"; PolyPhen-2: "Probably Damaging"; Align-GVGD: "Class C0"). This variant has not been reported in the literature in individuals affected with CCDC39-related conditions. This variant is not present in population databases (gnomAD no frequency). This sequence change replaces arginine, which is basic and polar, with glycine, which is neutral and non-polar, at codon 329 of the CCDC39 protein (p.Arg329Gly). In summary, the available evidence is currently insufficient to determine the role of this variant in disease. Therefore, it has been classified as a Variant of Uncertain Significance.

NM_181426.2(CCDC39):c.985A>G (p.Arg329Gly)

Gene: CCDC39 (coiled-coil domain 39 molecular ruler complex subunit; minus strand). Cytogenetic location: 3q26.33.
Variant type: single nucleotide variant.
Coding change: c.985A>G on transcript NM_181426.2 (MANE Select); coding-DNA position 985, A replaced by G.
Protein change: p.Arg329Gly; replaces arginine 329 with glycine.
Molecular consequence: missense variant.
Genome position (GRCh38, 1-based): chr3:180,652,212, T>C on the plus strand (A>G on the coding strand, the complement: CCDC39 is on the minus strand). VCF-style: chr3-180652212-T-C. GRCh37 (hg19) VCF-style: chr3-180370000-T-C.
Other names: short protein forms R329G.
Identifiers: ClinVar variation 1999552 (VCV001999552.4), dbSNP rs2473814519, ClinGen allele CA355299418.